The following is an entry in ClinVar:

ClinVar aggregate classification (germline): Uncertain significance (1 of 4 stars; one submission).

Conditions:
Fanconi anemia (FA). Also called: Fanconi's anemia. Identifiers: Orphanet 84, MedGen C0015625, MeSH D005199, MONDO:0019391.

Submission:

Labcorp Genetics (formerly Invitae), Labcorp
Classification: Uncertain significance for Fanconi anemia. Last evaluated: 2024-11-27. Review status: criteria provided, single submitter. Criteria: Invitae Variant Classification Sherloc (09022015). Collection method: clinical testing. Allele origin: germline.
Comment: This sequence change replaces arginine, which is basic and polar, with glycine, which is neutral and non-polar, at codon 50 of the FANCF protein (p.Arg50Gly). This variant is not present in population databases (gnomAD no frequency). This variant has not been reported in the literature in individuals affected with FANCF-related conditions. Invitae Evidence Modeling of protein sequence and biophysical properties (such as structural, functional, and spatial information, amino acid conservation, physicochemical variation, residue mobility, and thermodynamic stability) indicates that this missense variant is not expected to disrupt FANCF protein function with a negative predictive value of 80%. In summary, the available evidence is currently insufficient to determine the role of this variant in disease. Therefore, it has been classified as a Variant of Uncertain Significance.

NM_022725.4(FANCF):c.148C>G (p.Arg50Gly)

Gene: FANCF (FA complementation group F; minus strand). Cytogenetic location: 11p14.3.
Variant type: single nucleotide variant.
Coding change: c.148C>G on transcript NM_022725.4 (MANE Select); coding-DNA position 148, C replaced by G.
Protein change: p.Arg50Gly; replaces arginine 50 with glycine.
Molecular consequence: missense variant.
Genome position (GRCh38, 1-based): chr11:22,625,663, G>C on the plus strand (C>G on the coding strand, the complement: FANCF is on the minus strand). VCF-style: chr11-22625663-G-C. GRCh37 (hg19) VCF-style: chr11-22647209-G-C.
Other names: short protein forms R50G.
Identifiers: ClinVar variation 3691257 (VCV003691257.2).